The following is an entry in ClinVar:

NM_001282597.3(CTNNA2):c.1187A>G (p.Asn396Ser)

Gene: CTNNA2 (catenin alpha 2; plus strand). Cytogenetic location: 2p12.
Variant type: single nucleotide variant.
Coding change: c.1187A>G on transcript NM_001282597.3 (MANE Select); coding-DNA position 1187, A replaced by G.
Protein change: p.Asn396Ser; replaces asparagine 396 with serine.
Molecular consequence: missense variant.
Genome position (GRCh38, 1-based): chr2:80,419,498, A>G. VCF-style: chr2-80419498-A-G. GRCh37 (hg19) VCF-style: chr2-80646623-A-G.
Other names: c.1187A>G, p.Asn396Ser (NM_001164883.2, NM_004389.4); c.1289A>G, p.Asn430Ser (NM_001282598.2); c.224A>G, p.Asn75Ser (NM_001282599.2); c.83A>G, p.Asn28Ser (NM_001282600.2, NM_001320810.2); c.1187A>G (NM_001282597.2); short protein forms N28S, N430S, N396S, N75S.
Identifiers: ClinVar variation 731426 (VCV000731426.5), dbSNP rs144724508, ClinGen allele CA1735571.

ClinVar aggregate classification (germline): Likely benign. Review status: criteria provided, single submitter (1 of 4 stars). 2 submissions from 2 submitters: Likely benign (1). 1 of the submissions does not count toward it. Last evaluated 2018-11-20.

Conditions:
CTNNA2-related disorder. Also called: CTNNA2-related condition.

Allele frequency attached by ClinVar (database versions not stated): gnomAD exomes 0.00023 and 0.00054; ExAC 0.00063; 1000 Genomes Project 30x 0.00172; gnomAD 0.00185 and 0.00203; TOPMed 0.00211; 1000 Genomes Project 0.00220; ESP Exome Variant Server 0.00227.
gnomAD v4.1: 640 of 1,613,608 alleles (0.04%); highest among the groups gnomAD compares: African/African-American, 0.69%; 6 homozygotes.

Submissions (2):

Labcorp Genetics (formerly Invitae), Labcorp
Classification: Likely benign. Last evaluated: 2018-11-20. Review status: criteria provided, single submitter. Criteria: Invitae Variant Classification Sherloc (09022015). Collection method: clinical testing. Allele origin: germline.

PreventionGenetics, part of Exact Sciences
Classification: Benign for CTNNA2-related condition. Last evaluated: 2019-10-28. Review status: no assertion criteria provided. Collection method: clinical testing. Allele origin: germline. Not counted in ClinVar's aggregate classification.
Comment: This variant is classified as benign based on ACMG/AMP sequence variant interpretation guidelines (Richards et al. 2015 PMID: 25741868, with internal and published modifications).